The following is an entry in ClinVar:

ClinVar aggregate classification (germline): Uncertain significance (1 of 4 stars; one submission).

Submission:

Women's Health and Genetics/Laboratory Corporation of America, LabCorp
Classification: Uncertain significance. Last evaluated: 2023-02-16. Review status: criteria provided, single submitter. Criteria: LabCorp Variant Classification Summary - May 2015. Collection method: clinical testing. Allele origin: germline.
Comment: Variant summary: COL4A5 c.1340-8T>G alters a conserved nucleotide located close to a canonical splice site and therefore could affect mRNA splicing. 4/4 computational tools predict no significant impact on normal splicing. However, these predictions have yet to be confirmed by functional studies. The variant was absent in 183091 control chromosomes. The available data on variant occurrences in the general population are insufficient to allow any conclusion about variant significance. To our knowledge, no occurrence of c.1340-8T>G in individuals affected with Alport Syndrome 1, X-Linked Recessive and no experimental evidence demonstrating its impact on protein function have been reported. No clinical diagnostic laboratories have submitted clinical-significance assessments for this variant to ClinVar after 2014. Based on the evidence outlined above, the variant was classified as uncertain significance.

NM_033380.3(COL4A5):c.1340-8T>G

Gene: COL4A5 (collagen type IV alpha 5 chain; plus strand). Cytogenetic location: Xq22.3.
Variant type: single nucleotide variant.
Coding change: c.1340-8T>G on transcript NM_033380.3 (MANE Select); 8 bases into the intron before coding-DNA position 1340, T replaced by G.
Molecular consequence: intron variant.
Genome position (GRCh38, 1-based): chrX:108,591,553, T>G. VCF-style: chrX-108591553-T-G. GRCh37 (hg19) VCF-style: chrX-107834783-T-G.
Other names: c.1340-8T>G (NM_000495.5, NM_000495.4).
Identifiers: ClinVar variation 2445872 (VCV002445872.1), dbSNP rs2524284676, ClinGen allele CA2580100231.
Genomic context (GRCh38, chrX:108,591,553, plus strand): 5'-GGCTTTCTTTTGTTTAATCTTCTGGATATTTCACAATTAGCTTGCTATCCTTTCTTTATC[T>G]TACTCAGGTGATGAGATATGTGAACCAGGCCCTCCAGGCCCCCCAGGATCTCCAGGTGAT-3'